The following is an entry in ClinVar:

NM_001692.4(ATP6V1B1):c.497del (p.Thr166fs)

Gene: ATP6V1B1 (ATPase H+ transporting V1 subunit B1; plus strand). Cytogenetic location: 2p13.3.
Variant type: Deletion.
Coding change: c.497del on transcript NM_001692.4 (MANE Select); coding-DNA position 497, one base deleted (C; older notation c.497delC).
Protein change: p.Thr166fs; shifts the reading frame from threonine 166.
Molecular consequence: frameshift variant.
Genome position (GRCh38, 1-based): chr2:70,959,990, C deleted. VCF-style (leftmost placement, unchanged base first): chr2-70959989-AC-A. GRCh37 (hg19) VCF-style: chr2-71187119-AC-A.
Other names: c.497delC (NM_001692.3); short protein forms T166fs.
Identifiers: ClinVar variation 562411 (VCV000562411.13), dbSNP rs782152033, ClinGen allele CA1701070.

ClinVar aggregate classification (germline): Pathogenic. Review status: criteria provided, multiple submitters, no conflicts (2 of 4 stars). 8 submissions from 8 submitters: Pathogenic (5). 3 of the submissions do not count toward it. Last evaluated 2025-09-16.

Conditions:
Distal renal tubular acidosis. Identifiers: Orphanet 18, MedGen C1704380, MONDO:0015827, HP:0008341.
Renal tubular acidosis with progressive nerve deafness. Also called: Distal Renal Tubular Acidosis with Progressive Sensorineural Deafness; renal tubular acidosis, distal, 2, with progressive sensorineural hearing loss; RENAL TUBULAR ACIDOSIS, AUTOSOMAL RECESSIVE, WITH PROGRESSIVE NERVE DEAFNESS; RTA WITH PROGRESSIVE NERVE DEAFNESS. Identifiers: MedGen C0403554, MONDO:0009968, OMIM 267300.
Renal tubulopathies.

Allele frequency attached by ClinVar (database versions not stated): ExAC 0.00002; gnomAD exomes 0.00001 and below 0.00001; TOPMed 0.00001; gnomAD 0.00001.

Submissions (8):

Genetics Laboratory, Great Ormond Street Hospital NHS Foundation Trust, North Thames Genomic Laboratory Hub
Classification: Pathogenic for Renal tubulopathies. Last evaluated: 2025-09-16. Review status: criteria provided, single submitter. Criteria: ACGS Best Practice Guidelines for Variant Classification in Rare Disease 2024 v1.2. Collection method: clinical testing. Allele origin: germline. Affected: yes.
Comment: PM2_moderate, PVS1_very-strong, PM3_moderate

Natera, Inc.
Classification: Pathogenic for Renal tubular acidosis with progressive nerve deafness. Last evaluated: 2024-06-28. Review status: criteria provided, single submitter. Criteria: Natera Variant Classification Schema (03/2026). Collection method: clinical testing. Allele origin: germline.
Comment: The c.497delC variant in ATP6V1B1 is a frameshift variant predicted to shift the reading frame beginning at codon 166 and leads to a stop codon 9 codons downstream. This variant is expected to result in nonsense mediated decay, truncation, or a dysfunctional protein product. This variant is rare in the general population with a frequency below the threshold expected for the associated phenotype(s). This variant has been observed in one or more individuals affected with the associated recessive disease, as either homozygous or compound heterozygous with a second variant (PMID: 37121229, 23923981, 28233610). Given the available evidence, this variant is classified as Pathogenic.

Myriad Genetics, Inc.
Classification: Pathogenic for Renal tubular acidosis with progressive nerve deafness. Last evaluated: 2024-05-14. Review status: criteria provided, single submitter. Criteria: Myriad Autosomal Dominant, Autosomal Recessive and X-Linked Classification Criteria (2023). Collection method: clinical testing. Allele origin: unknown.
Comment: NM_001692.3(ATP6V1B1):c.497delC(T166Rfs*9) is expected to be pathogenic in the context of distal renal tubular acidosis with deafness, ATP6V1B1-related. This variant is predicted to lead to an abnormal or absent protein product due to the creation of a premature termination codon in ATP6V1B1, a gene where loss-of-function variants are known to be pathogenic. Please note: this variant was assessed in the context of healthy population screening.

Fulgent Genetics
Classification: Pathogenic for Renal tubular acidosis with progressive nerve deafness. Last evaluated: 2024-01-09. Review status: criteria provided, single submitter. Criteria: ACMG Guidelines, 2015. Collection method: clinical testing. Allele origin: germline.

Labcorp Genetics (formerly Invitae), Labcorp
Classification: Pathogenic. Last evaluated: 2023-08-18. Review status: criteria provided, single submitter. Criteria: Invitae Variant Classification Sherloc (09022015). Collection method: clinical testing. Allele origin: germline.
Comment: For these reasons, this variant has been classified as Pathogenic. ClinVar contains an entry for this variant (Variation ID: 562411). This premature translational stop signal has been observed in individual(s) with renal tubular acidosis (PMID: 9916796, 23923981, 31959358). This variant is present in population databases (rs782152033, gnomAD 0.002%). This sequence change creates a premature translational stop signal (p.Thr166Argfs*9) in the ATP6V1B1 gene. It is expected to result in an absent or disrupted protein product. Loss-of-function variants in ATP6V1B1 are known to be pathogenic (PMID: 9916796, 18368028).

Yale Center for Mendelian Genomics, Yale University
Classification: Pathogenic for Distal renal tubular acidosis. Last evaluated: 2019-10-22. Review status: no assertion criteria provided. Collection method: literature only. Allele origin: germline. Affected: yes. Observed: 1 homozygote. Study: Yale Center for Mendelian Genomics. Not counted in ClinVar's aggregate classification.

Gharavi Laboratory, Columbia University
Classification: Pathogenic. Last evaluated: 2018-09-16. Review status: no assertion criteria provided. Criteria: ACMG Guidelines, 2015. Collection method: research. Allele origin: germline. Affected: yes. Not counted in ClinVar's aggregate classification.

OMIM
Classification: Pathogenic for RENAL TUBULAR ACIDOSIS, DISTAL, 2, WITH PROGRESSIVE SENSORINEURAL HEARING LOSS. Last evaluated: 1999-01-01. Review status: no assertion criteria provided. Collection method: literature only. Allele origin: germline. Not counted in ClinVar's aggregate classification.

Literature cited by the submitters: PubMed 37121229 (cited by Natera, Inc.); PubMed 23923981 (cited by Natera, Inc. and Labcorp Genetics (formerly Invitae), Labcorp); PubMed 28233610 (cited by Natera, Inc.); PubMed 9916796 (cited by Labcorp Genetics (formerly Invitae), Labcorp and OMIM); PubMed 31959358 (cited by Labcorp Genetics (formerly Invitae), Labcorp and Yale Center for Mendelian Genomics, Yale University); PubMed 18368028 (cited by Labcorp Genetics (formerly Invitae), Labcorp).